The following is an entry in ClinVar:

NM_020987.5(ANK3):c.9368A>G (p.Lys3123Arg)

Gene: ANK3 (ankyrin 3; minus strand). Cytogenetic location: 10q21.2.
Variant type: single nucleotide variant.
Coding change: c.9368A>G on transcript NM_020987.5 (MANE Select); coding-DNA position 9368, A replaced by G.
Protein change: p.Lys3123Arg; replaces lysine 3123 with arginine.
Molecular consequence: missense variant. On other transcripts: intron variant (4).
Genome position (GRCh38, 1-based): chr10:60,071,513, T>C on the plus strand (A>G on the coding strand, the complement: ANK3 is on the minus strand). VCF-style: chr10-60071513-T-C. GRCh37 (hg19) VCF-style: chr10-61831271-T-C.
Other names: c.4388-3504A>G (NM_001204403.2); c.4409-3504A>G (NM_001204404.2); c.4406-3504A>G (NM_001320874.2); c.1808-3504A>G (NM_001149.4); short protein forms K3123R.
Identifiers: ClinVar variation 128385 (VCV000128385.18), dbSNP rs10821668, ClinGen allele CA151819.

ClinVar aggregate classification (germline): Benign. Review status: criteria provided, multiple submitters, no conflicts (2 of 4 stars). 4 submissions from 4 submitters: Benign (3). 1 of the submissions does not count toward it. Last evaluated 2026-02-03.

Conditions:
Intellectual developmental disorder, autosomal recessive 37. Also called: Intellectual disability-hypotonia-spasticity-sleep disorder syndrome. Identifiers: Orphanet 356996, MedGen C3809672, MONDO:0014210, OMIM 615493.

Allele frequency attached by ClinVar (database versions not stated): 1000 Genomes Project 0.12580; 1000 Genomes Project 30x 0.12601; TOPMed 0.17737; gnomAD 0.18640 and 0.18742; ESP Exome Variant Server 0.18991; ExAC 0.20189; gnomAD exomes 0.20388 and 0.24911.
gnomAD v4.1: 391,288 of 1,613,926 alleles (24%); highest among the groups gnomAD compares: Non-Finnish European, 27%; 51,397 homozygotes.

Submissions (4):

Labcorp Genetics (formerly Invitae), Labcorp
Classification: Benign. Last evaluated: 2026-02-03. Review status: criteria provided, single submitter. Criteria: Invitae Variant Classification Sherloc (09022015). Collection method: clinical testing. Allele origin: germline.

Genome-Nilou Lab
Classification: Benign for Intellectual developmental disorder, autosomal recessive 37. Last evaluated: 2021-07-14. Review status: criteria provided, single submitter. Criteria: ACMG Guidelines, 2015. Collection method: clinical testing. Allele origin: germline. Affected: no.

Breakthrough Genomics
Classification: Benign. Review status: criteria provided, single submitter. Criteria: ACMG Guidelines, 2015. Collection method: not provided. Allele origin: germline. Inheritance: Autosomal recessive inheritance. Affected: yes.

Genetic Services Laboratory, University of Chicago
Classification: Likely benign for AllHighlyPenetrant. Review status: no assertion criteria provided. Collection method: clinical testing. Allele origin: germline. Inheritance: Autosomal recessive inheritance. Not counted in ClinVar's aggregate classification.
Comment: Likely benign based on allele frequency in 1000 Genomes Project or ESP global frequency and its presence in a patient with a rare or unrelated disease phenotype. NOT Sanger confirmed.